The following is an entry in ClinVar:

NC_000018.10:g.68714963A>G

Genes: CCDC102B (coiled-coil domain containing 102B; plus strand), TMX3 (thioredoxin related transmembrane protein 3; minus strand). Cytogenetic location: 18q22.1.
Variant type: single nucleotide variant.
Molecular consequence: missense variant (on NM_019022.5). On other transcripts: 5 prime UTR variant (3).
Genome position: GRCh38 VCF-style: chr18-68714963-A-G. GRCh37 (hg19) VCF-style: chr18-66382200-A-G.
Other names: c.19T>C, p.Trp7Arg (NM_001350512.2, NM_001350513.2, NM_001350514.2 and 1 more transcripts); c.-359T>C (NM_001350515.2); c.-278T>C (NM_001350516.2); c.-457T>C (NM_001350517.2); short protein forms W7R.
Identifiers: ClinVar variation 1263946 (VCV001263946.3), dbSNP rs117138050, ClinGen allele CA8993459.

ClinVar aggregate classification (germline): Benign. Review status: criteria provided, multiple submitters, no conflicts (2 of 4 stars). 2 submissions from 2 submitters: Benign (2). Last evaluated 2019-10-17.

Allele frequency attached by ClinVar (database versions not stated): ESP Exome Variant Server 0.00047; gnomAD 0.00227 and 0.00334; gnomAD exomes 0.00266 and 0.00699; TOPMed 0.00408; ExAC 0.01250; 1000 Genomes Project 30x 0.01390; 1000 Genomes Project 0.01438.
gnomAD v4.1: 4,412 of 1,574,208 alleles (0.28%); highest among the groups gnomAD compares: East Asian, 8.1%; 156 homozygotes.

Submissions (2):

GeneDx
Classification: Benign. Last evaluated: 2019-10-17. Review status: criteria provided, single submitter. Criteria: GeneDx Variant Classification Process June 2021. Collection method: clinical testing. Allele origin: germline. Affected: yes.
Comment: This variant is associated with the following publications: (PMID: 30653986)

Breakthrough Genomics
Classification: Benign. Review status: criteria provided, single submitter. Criteria: ACMG Guidelines, 2015. Collection method: not provided. Allele origin: germline. Inheritance: Unknown mechanism. Affected: yes.